The following is an entry in ClinVar:

NM_000414.4(HSD17B4):c.788del (p.Pro263fs)

Gene: HSD17B4 (hydroxysteroid 17-beta dehydrogenase 4; plus strand). Cytogenetic location: 5q23.1.
Variant type: Deletion.
Coding change: c.788del on transcript NM_000414.4 (MANE Select); coding-DNA position 788, one base deleted (C; older notation c.788delC).
Protein change: p.Pro263fs; shifts the reading frame from proline 263.
Molecular consequence: frameshift variant. On other transcripts: non-coding transcript variant (2).
Genome position (GRCh38, 1-based): chr5:119,493,866, C deleted; the last of 3 consecutive C bases (chr5:119,493,864-119,493,866); deleting any one gives the same sequence. VCF-style (leftmost placement, unchanged base first): chr5-119493863-AC-A. GRCh37 (hg19) VCF-style: chr5-118829558-AC-A.
Other names: c.863del, p.Pro288fs (NM_001199291.3); c.734del, p.Pro245fs (NM_001199292.2); c.716del, p.Pro239fs (NM_001292027.2); c.368del, p.Pro123fs (NM_001292028.2); c.779del, p.Pro260fs (NM_001374497.1); c.788del, p.Pro263fs (NM_001374498.1); c.461del, p.Pro154fs (NM_001374499.1); c.347del, p.Pro116fs (NM_001374500.1); and 1 more; short protein forms P245fs, P239fs, P123fs, P263fs, P288fs, P260fs, P126fs, P116fs.
Identifiers: ClinVar variation 632859 (VCV000632859.3), dbSNP rs1561457987, ClinGen allele CA913189817.

ClinVar aggregate classification (germline): Pathogenic/Likely pathogenic. Review status: criteria provided, multiple submitters, no conflicts (2 of 4 stars). 3 submissions from 3 submitters: Pathogenic (2); Likely pathogenic (1). Last evaluated 2025-11-30.

Conditions:
HSD17B4-related disorder. Also called: HSD17B4-related condition; HSD17B4-related disorders.
Bifunctional peroxisomal enzyme deficiency (DBIF). Also called: DBP DEFICIENCY; PBFE DEFICIENCY; D-bifunctional protein deficiency. Identifiers: Orphanet 300, MedGen C0342870, MONDO:0009855, OMIM 261515. Disease mechanism: loss of function.

Submissions (3):

Natera, Inc.
Classification: Pathogenic for Bifunctional peroxisomal enzyme deficiency. Last evaluated: 2025-11-30. Review status: criteria provided, single submitter. Criteria: Natera Variant Classification Schema (03/2026). Collection method: clinical testing. Allele origin: germline.
Comment: The c.788delC variant in HSD17B4 is a frameshift variant predicted to shift the reading frame beginning at codon 263 and leads to a stop codon 2 codons downstream. This variant is expected to result in nonsense mediated decay, truncation, or a dysfunctional protein product. This variant is rare in the general population with a frequency below the threshold expected for the associated phenotype(s). This variant has been observed in one or more individuals affected with the associated recessive disease, as either homozygous or compound heterozygous with a second variant (PMID: 16385454). Given the available evidence, this variant is classified as Pathogenic.

Blueprint Genetics
Classification: Pathogenic for HSD17B4-related disorders. Last evaluated: 2022-11-25. Review status: criteria provided, single submitter. Criteria: ACMG Guidelines, 2015. Collection method: clinical testing. Allele origin: germline. Affected: yes. Observed: 2 variant alleles.

Women's Health and Genetics/Laboratory Corporation of America, LabCorp
Classification: Likely pathogenic for Bifunctional peroxisomal enzyme deficiency. Last evaluated: 2018-11-23. Review status: criteria provided, single submitter. Criteria: LabCorp Variant Classification Summary - May 2015. Collection method: clinical testing. Allele origin: germline.
Comment: Variant summary: HSD17B4 c.788delC (p.Pro263GlnfsX2) results in a premature termination codon, predicted to cause a truncation of the encoded protein or absence of the protein due to nonsense mediated decay, which are commonly known mechanisms for disease. The variant was absent in 276668 control chromosomes (gnomAD). c.788delC has been reported in a literature in an individual affected with D-Bifunctional Protein Deficiency (Ferdinandusse_2006). To our knowledge, no experimental evidence demonstrating an impact on protein function has been reported. No clinical diagnostic laboratories have submitted clinical-significance assessments for this variant to ClinVar after 2014. Based on the evidence outlined above, the variant was classified as likely pathogenic.

Literature cited by the submitters: PubMed 16385454 (cited by Natera, Inc. and Women's Health and Genetics/Laboratory Corporation of America, LabCorp).